The following is an entry in ClinVar:

ClinVar aggregate classification (germline): Uncertain significance (1 of 4 stars; one submission).

gnomAD v4.1: 5 of 1,599,392 alleles (0.00031%); highest among the groups gnomAD compares: African/African-American, 0.0013%; no homozygotes.

Submission:

Labcorp Genetics (formerly Invitae), Labcorp
Classification: Uncertain significance. Last evaluated: 2025-12-01. Review status: criteria provided, single submitter. Criteria: Invitae Variant Classification Sherloc (09022015). Collection method: clinical testing. Allele origin: germline.
Comment: This sequence change replaces glutamine, which is neutral and polar, with arginine, which is basic and polar, at codon 235 of the DNA2 protein (p.Gln235Arg). The frequency data for this variant in the population databases is considered unreliable, as metrics indicate poor data quality at this position in the gnomAD database. This variant has not been reported in the literature in individuals affected with DNA2-related conditions. ClinVar contains an entry for this variant (Variation ID: 3620463). Experimental studies and prediction algorithms are not available or were not evaluated, and the functional significance of this variant is currently unknown. In summary, the available evidence is currently insufficient to determine the role of this variant in disease. Therefore, it has been classified as a Variant of Uncertain Significance.

NM_001080449.3(DNA2):c.704A>G (p.Gln235Arg)

Gene: DNA2 (DNA replication helicase/nuclease 2; minus strand). Cytogenetic location: 10q21.3.
Variant type: single nucleotide variant.
Coding change: c.704A>G on transcript NM_001080449.3 (MANE Select); coding-DNA position 704, A replaced by G.
Protein change: p.Gln235Arg; replaces glutamine 235 with arginine.
Molecular consequence: missense variant. On other transcripts: non-coding transcript variant (1).
Genome position (GRCh38, 1-based): chr10:68,459,119, T>C on the plus strand (A>G on the coding strand, the complement: DNA2 is on the minus strand). VCF-style: chr10-68459119-T-C. GRCh37 (hg19) VCF-style: chr10-70218876-T-C.
Other names: short protein forms Q235R.
Identifiers: ClinVar variation 3620463 (VCV003620463.2).
Genomic context (GRCh38, chr10:68,459,119, plus strand): 5'-CTAAAAATATGAAGACTATATATATAAACAAAATGTGTTTCTTACAGAGAGAGCTGCATC[T>C]GAGGGAAGTCAGTCGAAGTGTTTTTATGCATGAAATCTCCTGCCCATTTACAAAACGAAG-3'
Protein context (NP_001073918.2, residues 225-245): MHKNTSTDFP[Gln235Arg]MQLSLPSDNS